The following is an entry in ClinVar:

NM_000257.4(MYH7):c.3748del (p.Arg1250fs)

Gene: MYH7 (myosin heavy chain 7; minus strand). Cytogenetic location: 14q11.2.
Variant type: Deletion.
Coding change: c.3748del on transcript NM_000257.4 (MANE Select); coding-DNA position 3748, one base deleted (C; older notation c.3748delC).
Protein change: p.Arg1250fs; shifts the reading frame from arginine 1250.
Molecular consequence: frameshift variant.
Genome position (GRCh38, 1-based): chr14:23,419,588, G deleted on the plus strand (C on the coding strand, the reverse complement: MYH7 is on the minus strand); the first of 2 consecutive G bases (chr14:23,419,588-23,419,589); deleting either gives the same sequence. VCF-style (leftmost placement, unchanged base first): chr14-23419587-CG-C. GRCh37 (hg19) VCF-style: chr14-23888796-CG-C.
Other names: c.3748del, p.Arg1250fs (NM_001407004.1); short protein forms R1250fs.
Identifiers: ClinVar variation 3071033 (VCV003071033.1), dbSNP rs2502262149, ClinGen allele CA2825002214.

ClinVar aggregate classification (germline): Uncertain significance (1 of 4 stars; one submission).

Conditions:
Cardiomyopathy (CMYO). Also called: Cardiomyopathies. Identifiers: Orphanet 167848, MedGen C0878544, MONDO:0004994, HP:0001638. Inheritance: Various modes of inheritance.

Submission:

All of Us Research Program, National Institutes of Health
Classification: Uncertain significance for Cardiomyopathy. Last evaluated: 2023-05-16. Review status: criteria provided, single submitter. Criteria: ACMG Guidelines, 2015. Collection method: clinical testing. Allele origin: germline. Inheritance: Autosomal dominant inheritance. Observed: 1 variant allele, 1 heterozygote.
Comment: This variant deletes 1 nucleotide in exon 28 of the MYH7 gene, creating a frameshift and premature translation stop signal. This variant is expected to result in an absent or non-functional protein product. To our knowledge, this variant has not been reported in individuals affected with MYH7-related disorders in the literature. This variant has not been identified in the general population by the Genome Aggregation Database (gnomAD). Clinical relevance of loss-of-function MYH7 truncation variants in autosomal dominant cardiovascular disorders is not clearly established. The available evidence is insufficient to determine the role of this variant in disease conclusively. Therefore, this variant is classified as a Variant of Uncertain Significance.

This study involves interpretation of variants in research participants for the purpose of population health screening. Participant phenotype was not available at the time of variant classification. Additional details can be found in publication PMID: 35346344, PMCID: PMC8962531